The following is an entry in ClinVar:

NM_000137.4(FAH):c.438del (p.Asn146fs)

Gene: FAH (fumarylacetoacetate hydrolase; plus strand). Cytogenetic location: 15q25.1.
Variant type: Deletion.
Coding change: c.438del on transcript NM_000137.4 (MANE Select); coding-DNA position 438, one base deleted (T; older notation c.438delT).
Protein change: p.Asn146fs; shifts the reading frame from asparagine 146.
Molecular consequence: frameshift variant.
Genome position (GRCh38, 1-based): chr15:80,162,319, T deleted. VCF-style (leftmost placement, unchanged base first): chr15-80162318-AT-A. GRCh37 (hg19) VCF-style: chr15-80454660-AT-A.
Other names: c.438del, p.Asn146fs (NM_001374377.1, NM_001374380.1); short protein forms N146fs.
Identifiers: ClinVar variation 370316 (VCV000370316.8), dbSNP rs779642226, ClinGen allele CA7691153.

ClinVar aggregate classification (germline): Pathogenic/Likely pathogenic. Review status: criteria provided, multiple submitters, no conflicts (2 of 4 stars). 4 submissions from 4 submitters: Pathogenic (1); Likely pathogenic (2). 1 of the submissions does not count toward it. Last evaluated 2025-02-05.

Conditions:
Tyrosinemia type I (TYRSN1). Also called: HEPATORENAL TYROSINEMIA; Deficiency of fumarylacetoacetase; Tyrosinemia type 1; Fumarylacetoacetase deficiency; FAH DEFICIENCY. Identifiers: Orphanet 882, MedGen C0268490, MONDO:0010161, OMIM 276700. Disease mechanism: loss of function.
FAH-related disorder. Also called: FAH-related condition.

Allele frequency attached by ClinVar (database versions not stated): gnomAD exomes below 0.00001; ExAC 0.00001; gnomAD 0.00001; TOPMed 0.00002.

Submissions (4):

PreventionGenetics, part of Exact Sciences
Classification: Likely pathogenic for FAH-related condition. Last evaluated: 2025-02-05. Review status: criteria provided, single submitter. Criteria: ACMG Guidelines, 2015. Collection method: clinical testing. Allele origin: germline.
Comment: The FAH c.438delT variant is predicted to result in a frameshift and premature protein termination (p.Asn146Lysfs*3). This variant has not been reported in the literature in individuals with FAH-related disorders. This variant is reported in 0.0062% of alleles in individuals of African descent in gnomAD. Frameshift variants in FAH are expected to be pathogenic. This variant is interpreted as likely pathogenic.

Labcorp Genetics (formerly Invitae), Labcorp
Classification: Pathogenic for Tyrosinemia type I. Last evaluated: 2023-12-03. Review status: criteria provided, single submitter. Criteria: Invitae Variant Classification Sherloc (09022015). Collection method: clinical testing. Allele origin: germline.
Comment: This sequence change creates a premature translational stop signal (p.Asn146Lysfs*3) in the FAH gene. It is expected to result in an absent or disrupted protein product. Loss-of-function variants in FAH are known to be pathogenic (PMID: 9101289, 9633815). This variant is present in population databases (rs779642226, gnomAD 0.007%). This variant has not been reported in the literature in individuals affected with FAH-related conditions. ClinVar contains an entry for this variant (Variation ID: 370316). For these reasons, this variant has been classified as Pathogenic.

Baylor Genetics
Classification: Likely pathogenic for Tyrosinemia type I. Last evaluated: 2023-06-23. Review status: criteria provided, single submitter. Criteria: ACMG Guidelines, 2015. Collection method: clinical testing. Allele origin: unknown.

Counsyl
Classification: Likely pathogenic for Tyrosinemia type I. Last evaluated: 2016-01-08. Review status: no assertion criteria provided. Collection method: clinical testing. Allele origin: unknown. Not counted in ClinVar's aggregate classification.

Literature cited by the submitters: PubMed 9101289 (cited by Labcorp Genetics (formerly Invitae), Labcorp); PubMed 9633815 (cited by Labcorp Genetics (formerly Invitae), Labcorp).